The following is an entry in ClinVar:

ClinVar aggregate classification (germline): Uncertain significance. Review status: criteria provided, multiple submitters, no conflicts (2 of 4 stars). 2 submissions from 2 submitters: Uncertain significance (2). Last evaluated 2024-05-27.

Conditions:
Hereditary cancer-predisposing syndrome. Also called: Neoplastic Syndromes, Hereditary; Tumor predisposition; Hereditary neoplastic syndrome; Hereditary Cancer Syndrome. Identifiers: Orphanet 140162, MedGen C0027672, MeSH D009386, MONDO:0015356.
Rhabdoid tumor predisposition syndrome 2 (RTPS2). Identifiers: Orphanet 231108, Orphanet 69077, MedGen C2750074, MONDO:0013224, OMIM 613325.

Submissions (2):

Labcorp Genetics (formerly Invitae), Labcorp
Classification: Uncertain significance for Rhabdoid tumor predisposition syndrome 2. Last evaluated: 2024-05-27. Review status: criteria provided, single submitter. Criteria: Invitae Variant Classification Sherloc (09022015). Collection method: clinical testing. Allele origin: germline.
Comment: This sequence change replaces glutamic acid, which is acidic and polar, with valine, which is neutral and non-polar, at codon 1326 of the SMARCA4 protein (p.Glu1326Val). This variant is not present in population databases (gnomAD no frequency). This variant has not been reported in the literature in individuals affected with SMARCA4-related conditions. ClinVar contains an entry for this variant (Variation ID: 1388371). Advanced modeling of protein sequence and biophysical properties (such as structural, functional, and spatial information, amino acid conservation, physicochemical variation, residue mobility, and thermodynamic stability) performed at Invitae indicates that this missense variant is expected to disrupt SMARCA4 protein function with a positive predictive value of 95%. In summary, the available evidence is currently insufficient to determine the role of this variant in disease. Therefore, it has been classified as a Variant of Uncertain Significance.

Ambry Genetics
Classification: Uncertain significance for Hereditary cancer-predisposing syndrome. Last evaluated: 2022-08-11. Review status: criteria provided, single submitter. Criteria: Ambry Variant Classification Scheme 2023. Collection method: clinical testing. Allele origin: germline.
Comment: The p.E1326V variant (also known as c.3977A>T), located in coding exon 28 of the SMARCA4 gene, results from an A to T substitution at nucleotide position 3977. The glutamic acid at codon 1326 is replaced by valine, an amino acid with dissimilar properties. This amino acid position is highly conserved in available vertebrate species. In addition, the in silico prediction for this alteration is inconclusive. Missense and in-frame variants in SMARCA4 are known to cause neurodevelopmental disorders; however, such associations with rhabdoid tumor predisposition syndrome including small cell carcinoma of the ovary-hypercalcemic type (SCCOHT) are exceedingly rare (Kosho T et al. Am J Med Genet C Semin Med Genet. 2014 Sep;166C(3):262-75; Jelinic P et al. Nat Genet. 2014 May;46(5):424-6). Since supporting evidence is limited at this time, the clinical significance of this alteration remains unclear.

NM_003072.5(SMARCA4):c.3977A>T (p.Glu1326Val)

Gene: SMARCA4 (SWI/SNF related BAF chromatin remodeling complex subunit ATPase 4; plus strand). Cytogenetic location: 19p13.2.
Variant type: single nucleotide variant.
Coding change: c.3977A>T on transcript NM_003072.5 (MANE Select); coding-DNA position 3977, A replaced by T.
Protein change: p.Glu1326Val; replaces glutamic acid 1326 with valine.
Molecular consequence: missense variant. On other transcripts: non-coding transcript variant (1).
Genome position (GRCh38, 1-based): chr19:11,034,939, A>T. VCF-style: chr19-11034939-A-T. GRCh37 (hg19) VCF-style: chr19-11145615-A-T.
Other names: c.3977A>T, p.Glu1326Val (NM_001128844.3, NM_001128849.3, NM_001387283.1); c.3878A>T, p.Glu1293Val (NM_001128845.2, NM_001128846.2, NM_001128847.4 and 2 more transcripts); short protein forms E1293V, E1326V.
Identifiers: ClinVar variation 1388371 (VCV001388371.10), dbSNP rs2146696740, ClinGen allele CA404068037.
Genomic context (GRCh38, chr19:11,034,939, plus strand): 5'-GCTGATGCCTCTCCCGTTGCCTCCCTGCCCACCAGCGCATGGACCTGGACCGCAGGCGCG[A>T]GGAGGCCCGCAACCCCAAGCGGAAGCCGCGCCTCATGGAGGAGGACGAGCTCCCCTCGTG-3'
Protein context (NP_003063.2, residues 1316-1336): FMRMDLDRRR[Glu1326Val]EARNPKRKPR